The following is an entry in ClinVar:

NM_024422.6(DSC2):c.77del (p.Ile26fs)

Gene: DSC2 (desmocollin 2; minus strand). Cytogenetic location: 18q12.1.
Variant type: Deletion.
Coding change: c.77del on transcript NM_024422.6 (MANE Select); coding-DNA position 77, one base deleted (T; older notation c.77delT).
Protein change: p.Ile26fs; shifts the reading frame from isoleucine 26.
Molecular consequence: frameshift variant.
Genome position (GRCh38, 1-based): chr18:31,093,636, A deleted on the plus strand (T on the coding strand, the reverse complement: DSC2 is on the minus strand). VCF-style (leftmost placement, unchanged base first): chr18-31093635-TA-T. GRCh37 (hg19) VCF-style: chr18-28673598-TA-T.
Other names: c.77del, p.Ile26fs (NM_004949.5); c.77delT (NM_024422.3); short protein forms I26fs.
Identifiers: ClinVar variation 504024 (VCV000504024.8), dbSNP rs1555640399, ClinGen allele CA658799017.

ClinVar aggregate classification (germline): Pathogenic/Likely pathogenic. Review status: criteria provided, multiple submitters, no conflicts (2 of 4 stars). 2 submissions from 2 submitters: Pathogenic (1); Likely pathogenic (1). Last evaluated 2021-05-08.

Conditions:
Arrhythmogenic right ventricular dysplasia 11. Also called: Arrhythmogenic Right Ventricular Dysplasia/Cardiomyopathy11; ARRHYTHMOGENIC RIGHT VENTRICULAR DYSPLASIA, FAMILIAL, 11; Arrhythmogenic right ventricular dysplasia 11 with mild palmoplantar keratoderma and woolly hair. Identifiers: MedGen C1864850, MONDO:0012506, OMIM 610476.

Submissions (2):

Labcorp Genetics (formerly Invitae), Labcorp
Classification: Pathogenic for Arrhythmogenic right ventricular dysplasia 11. Last evaluated: 2021-05-08. Review status: criteria provided, single submitter. Criteria: Invitae Variant Classification Sherloc (09022015). Collection method: clinical testing. Allele origin: germline.
Comment: For these reasons, this variant has been classified as Pathogenic. This variant has not been reported in the literature in individuals with DSC2-related conditions. ClinVar contains an entry for this variant (Variation ID: 504024). This variant is not present in population databases (ExAC no frequency). This sequence change creates a premature translational stop signal (p.Ile26Asnfs*10) in the DSC2 gene. It is expected to result in an absent or disrupted protein product. Loss-of-function variants in DSC2 are known to be pathogenic (PMID: 23911551).

GeneDx
Classification: Likely pathogenic. Last evaluated: 2019-10-02. Review status: criteria provided, single submitter. Criteria: GeneDx Variant Classification Process June 2021. Collection method: clinical testing. Allele origin: germline. Affected: yes.
Comment: Frameshift variant predicted to result in protein truncation or nonsense mediated decay in a gene for which loss-of-function is a known mechanism of disease; Not observed in large population cohorts (Lek et al., 2016); Has not been previously published as pathogenic or benign to our knowledge

Literature cited by the submitters: PubMed 23911551 (cited by Labcorp Genetics (formerly Invitae), Labcorp).